The following is an entry in ClinVar:

ClinVar aggregate classification (germline): Pathogenic (0 of 4 stars; one submission).

Conditions:
Norman-Roberts syndrome (LIS2). Also called: Lissencephaly 2 (Norman-Roberts type). Identifiers: Orphanet 89844, MedGen C0796089, MONDO:0009760, OMIM 257320.

Submission:

Istanbul Faculty of Medicine, Istanbul University
Classification: Pathogenic for Norman-Roberts syndrome. Last evaluated: 2022-05-17. Review status: no assertion criteria provided. Collection method: clinical testing. Allele origin: germline. Affected: yes. Observed: 2 variant alleles.

Literature cited by the submitters: DOI 10.26650/JARHS2022-1107813.

NM_005045.4(RELN):c.204C>G (p.Tyr68Ter)

Gene: RELN (reelin; minus strand). Cytogenetic location: 7q22.1.
Variant type: single nucleotide variant.
Coding change: c.204C>G on transcript NM_005045.4 (MANE Select); coding-DNA position 204, C replaced by G.
Protein change: p.Tyr68Ter; replaces tyrosine 68 with a stop codon.
Molecular consequence: nonsense.
Genome position (GRCh38, 1-based): chr7:103,989,153, G>C on the plus strand (C>G on the coding strand, the complement: RELN is on the minus strand). VCF-style: chr7-103989153-G-C. GRCh37 (hg19) VCF-style: chr7-103629600-G-C.
Other names: c.204C>G, p.Tyr68Ter (NM_173054.3); short protein forms Y68*.
Identifiers: ClinVar variation 1691105 (VCV001691105.3), dbSNP rs2484917661, ClinGen allele CA368931254.
Genomic context (GRCh38, chr7:103,989,153, plus strand): 5'-CCCGGCGGCGGCGAGCGCGGAGGTGCTGCGGTACCTACCATGGTATTCTTGTCCCGGAAC[G>C]TAGTAGGTGGGGTTGCCCGCAATATGCAGGGAAATGAGCACCTCGCCCTGCTCCCCATCC-3'